The following is an entry in ClinVar:

ClinVar aggregate classification (germline): Likely benign. Review status: criteria provided, multiple submitters, no conflicts (2 of 4 stars). 2 submissions from 2 submitters: Likely benign (2). Last evaluated 2024-11-22.

Conditions:
Breast-ovarian cancer, familial, susceptibility to, 4. Identifiers: Orphanet 145, MedGen C3280345, MONDO:0013669, OMIM 614291.

Allele frequency attached by ClinVar (database versions not stated): gnomAD exomes below 0.00001; ExAC 0.00001.
gnomAD v4.1: 1 of 1,600,272 alleles (0.000062%); highest among the groups gnomAD compares: Non-Finnish European, 0.000086%; no homozygotes.

Submissions (2):

Labcorp Genetics (formerly Invitae), Labcorp
Classification: Likely benign for Breast-ovarian cancer, familial, susceptibility to, 4. Last evaluated: 2024-11-22. Review status: criteria provided, single submitter. Criteria: Invitae Variant Classification Sherloc (09022015). Collection method: clinical testing. Allele origin: germline.

GeneDx
Classification: Likely benign. Last evaluated: 2017-07-10. Review status: criteria provided, single submitter. Criteria: GeneDx Variant Classification (06012015). Collection method: clinical testing. Allele origin: germline. Affected: yes.
Comment: This variant is considered likely benign or benign based on one or more of the following criteria: it is a conservative change, it occurs at a poorly conserved position in the protein, it is predicted to be benign by multiple in silico algorithms, and/or has population frequency not consistent with disease.

NM_002878.4(RAD51D):c.577-17C>G

Genes: RAD51D (RAD51 paralog D; minus strand), RAD51L3-RFFL (RAD51L3-RFFL readthrough; minus strand). Cytogenetic location: 17q12.
Variant type: single nucleotide variant.
Coding change: c.577-17C>G on transcript NM_002878.4 (MANE Select); 17 bases into the intron before coding-DNA position 577, C replaced by G.
Molecular consequence: intron variant.
Genome position (GRCh38, 1-based): chr17:35,103,561, G>C on the plus strand (C>G on the coding strand, the complement: RAD51D is on the minus strand). VCF-style: chr17-35103561-G-C. GRCh37 (hg19) VCF-style: chr17-33430580-G-C.
Other names: c.241-17C>G (NM_133629.3); c.637-17C>G (NM_001142571.2).
Identifiers: ClinVar variation 510758 (VCV000510758.8), dbSNP rs758865282, ClinGen allele CA8499407.